The following is an entry in ClinVar:

NM_000426.4(LAMA2):c.5238T>A (p.Ala1746=)

Gene: LAMA2 (laminin subunit alpha 2; plus strand). Cytogenetic location: 6q22.33.
Variant type: single nucleotide variant.
Coding change: c.5238T>A on transcript NM_000426.4 (MANE Select); coding-DNA position 5238, T replaced by A.
Protein change: p.Ala1746=; no amino-acid change (alanine 1746 retained).
Molecular consequence: synonymous variant.
Genome position (GRCh38, 1-based): chr6:129,393,048, T>A. VCF-style: chr6-129393048-T-A. GRCh37 (hg19) VCF-style: chr6-129714193-T-A.
Other names: c.5238T>A, p.Ala1746= (NM_001079823.2).
Identifiers: ClinVar variation 5019281 (VCV005019281.2).

ClinVar aggregate classification (germline): Uncertain significance (1 of 4 stars; one submission).

Conditions:
Muscular dystrophy, limb-girdle, autosomal recessive 23. Identifiers: Orphanet 565837, MedGen C4748327, MONDO:0029136, OMIM 618138.
Merosin deficient congenital muscular dystrophy (MDC1A). Also called: Congenital merosin-deficient muscular dystrophy 1A; Congenital Muscular Dystrophy Type 1A (MDC1A). Identifiers: Orphanet 258, MedGen C1263858, MONDO:0011925, OMIM 607855.

Submission:

Juno Genomics, Hangzhou Juno Genomics, Inc
Classification: Uncertain significance for Merosin deficient congenital muscular dystrophy; Muscular dystrophy, limb-girdle, autosomal recessive 23. Review status: criteria provided, single submitter. Criteria: ACMG Guidelines, 2015. Collection method: clinical testing. Allele origin: germline.
Comment: Absent from controls (or at extremely low frequency if recessive) in Genome Aggregation Database.;Multiple lines of computational evidence support a deleterious effect on the gene or gene product.